The following is an entry in ClinVar:

ClinVar aggregate classification (germline): Likely pathogenic (1 of 4 stars; one submission).

Conditions:
Partial hypoxanthine-guanine phosphoribosyltransferase deficiency. Also called: HPRT DEFICIENCY, PARTIAL; HYPOXANTHINE GUANINE PHOSPHORIBOSYLTRANSFERASE 1 DEFICIENCY, PARTIAL; GOUT, HPRT-RELATED; Kelley-Seegmiller Syndrome; HPRT1 DEFICIENCY, PARTIAL. Identifiers: Orphanet 79233, MedGen C0268117, MONDO:0010299, OMIM 300323.
Lesch-Nyhan syndrome (LNS). Also called: HPRT DEFICIENCY, COMPLETE; Lesch-Nyhan Disease (LND). Identifiers: Orphanet 510, MedGen C0023374, MONDO:0010298, OMIM 300322.

Submission:

Labcorp Genetics (formerly Invitae), Labcorp
Classification: Likely pathogenic for Lesch-Nyhan syndrome; Partial hypoxanthine-guanine phosphoribosyltransferase deficiency. Last evaluated: 2023-03-13. Review status: criteria provided, single submitter. Criteria: Invitae Variant Classification Sherloc (09022015). Collection method: clinical testing. Allele origin: germline.
Comment: In summary, the currently available evidence indicates that the variant is pathogenic, but additional data are needed to prove that conclusively. Therefore, this variant has been classified as Likely Pathogenic. Studies have shown that this variant is associated with altered splicing resulting in multiple RNA products (PMID: 1301916). This variant has been observed in individual(s) with clinical features of HPRT1-related conditions (PMID: 1301916). This variant is also known as A>G at n 32863 in IVS 5. The frequency data for this variant in the population databases is considered unreliable, as metrics indicate insufficient coverage at this position in the gnomAD database. This sequence change falls in intron 5 of the HPRT1 gene. It does not directly change the encoded amino acid sequence of the HPRT1 protein.

Literature cited by the submitters: PubMed 1301916.

NM_000194.3(HPRT1):c.402+1229A>G

Gene: HPRT1 (hypoxanthine phosphoribosyltransferase 1; plus strand). Cytogenetic location: Xq26.2.
Variant type: single nucleotide variant.
Coding change: c.402+1229A>G on transcript NM_000194.3 (MANE Select); 1229 bases into the intron after coding-DNA position 402, A replaced by G.
Molecular consequence: intron variant.
Genome position (GRCh38, 1-based): chrX:134,491,434, A>G. VCF-style: chrX-134491434-A-G. GRCh37 (hg19) VCF-style: chrX-133625464-A-G.
Identifiers: ClinVar variation 2925686 (VCV002925686.3), dbSNP rs1247346147, ClinGen allele CA2695236042.